The following is an entry in ClinVar:

ClinVar aggregate classification (germline): Likely pathogenic. Review status: criteria provided, single submitter (1 of 4 stars). 2 submissions from 2 submitters: Likely pathogenic (1). 1 of the submissions does not count toward it. Last evaluated 2023-07-31.

Conditions:
F8-related disorder. Also called: F8-related condition.

Submissions (2):

Mayo Clinic Laboratories, Mayo Clinic
Classification: Likely pathogenic. Last evaluated: 2023-07-31. Review status: criteria provided, single submitter. Criteria: ACMG Guidelines, 2015. Collection method: clinical testing. Allele origin: germline. Observed: 1 variant allele.
Comment: PP3, PM1_supporting, PM2_moderate, PS4_moderate

PreventionGenetics, part of Exact Sciences
Classification: Pathogenic for F8-related condition. Last evaluated: 2024-03-29. Review status: no assertion criteria provided. Collection method: clinical testing. Allele origin: germline. Not counted in ClinVar's aggregate classification.
Comment: The F8 c.5843T>C variant is predicted to result in the amino acid substitution p.Leu1948Pro. This variant segregated with disease in male members of one family who were affected with haemophilia A (Fogel et al. 2008. PubMed ID: 18481121, reported as p.Leu1929Pro using legacy nomenclature). This variant was also reported in an unrelated individual with moderate haemophilia A in another study (Liu et al. 2023. PubMed ID: 37285902) and in a large cohort of individuals with haemophilia A (Johnsen et al. 2017. PubMed ID: 29296726, Table S7a-b). A different amino acid substitution at this position (p.Leu1948Arg) was also reported in association with mild haemophilia A (Holstein et al. 2012. PubMed ID: 22960877, described as Leu1929Arg). This variant has not been reported in a large population database, indicating this variant is rare. Taken together, we interpret this variant as pathogenic.

Literature cited by the submitters: PubMed 18481121 (cited by Mayo Clinic Laboratories, Mayo Clinic); PubMed 19473423 (cited by Mayo Clinic Laboratories, Mayo Clinic); PubMed 29296726 (cited by Mayo Clinic Laboratories, Mayo Clinic); PubMed 37285902 (cited by Mayo Clinic Laboratories, Mayo Clinic).

NM_000132.4(F8):c.5843T>C (p.Leu1948Pro)

Gene: F8 (coagulation factor VIII; minus strand). Cytogenetic location: Xq28.
Variant type: single nucleotide variant.
Coding change: c.5843T>C on transcript NM_000132.4 (MANE Select); coding-DNA position 5843, T replaced by C.
Protein change: p.Leu1948Pro; replaces leucine 1948 with proline.
Molecular consequence: missense variant.
Genome position (GRCh38, 1-based): chrX:154,904,061, A>G on the plus strand (T>C on the coding strand, the complement: F8 is on the minus strand). VCF-style: chrX-154904061-A-G. GRCh37 (hg19) VCF-style: chrX-154132336-A-G.
Other names: p.Leu1948Pro; short protein forms L1948P.
Identifiers: ClinVar variation 3348341 (VCV003348341.2).